The following is an entry in ClinVar:

ClinVar aggregate classification (germline): Pathogenic (1 of 4 stars; one submission).

Conditions:
Inborn genetic diseases. Identifiers: MedGen C0950123, MeSH D030342.

Submission:

Ambry Genetics
Classification: Pathogenic for Inborn genetic diseases. Last evaluated: 2025-07-21. Review status: criteria provided, single submitter. Criteria: Ambry Variant Classification Scheme 2023. Collection method: clinical testing. Allele origin: germline.
Comment: The c.172C>T (p.Q58*) alteration, located in exon 3 (coding exon 2) of the ZEB2 gene, consists of a C to T substitution at nucleotide position 172. This changes the amino acid from a glutamine (Q) to a stop codon at amino acid position 58. This alteration is expected to result in loss of function by premature protein truncation or nonsense-mediated mRNA decay. This variant was not reported in population-based cohorts in the Genome Aggregation Database (gnomAD). Based on the available evidence, this alteration is classified as pathogenic.

NM_014795.4(ZEB2):c.172C>T (p.Gln58Ter)

Gene: ZEB2 (zinc finger E-box binding homeobox 2; minus strand). Cytogenetic location: 2q22.3.
Variant type: single nucleotide variant.
Coding change: c.172C>T on transcript NM_014795.4 (MANE Select); coding-DNA position 172, C replaced by T.
Protein change: p.Gln58Ter; replaces glutamine 58 with a stop codon.
Molecular consequence: nonsense.
Genome position (GRCh38, 1-based): chr2:144,429,928, G>A on the plus strand (C>T on the coding strand, the complement: ZEB2 is on the minus strand). VCF-style: chr2-144429928-G-A. GRCh37 (hg19) VCF-style: chr2-145187495-G-A.
Other names: c.172C>T, p.Gln58Ter (NM_001171653.2); short protein forms Q58*.
Identifiers: ClinVar variation 4204870 (VCV004204870.1).